The following is an entry in ClinVar:

NM_000092.5(COL4A4):c.1738C>T (p.Pro580Ser)

Gene: COL4A4 (collagen type IV alpha 4 chain; minus strand). Cytogenetic location: 2q36.3.
Variant type: single nucleotide variant.
Coding change: c.1738C>T on transcript NM_000092.5 (MANE Select); coding-DNA position 1738, C replaced by T.
Protein change: p.Pro580Ser; replaces proline 580 with serine.
Molecular consequence: missense variant.
Genome position (GRCh38, 1-based): chr2:227,080,508, G>A on the plus strand (C>T on the coding strand, the complement: COL4A4 is on the minus strand). VCF-style: chr2-227080508-G-A. GRCh37 (hg19) VCF-style: chr2-227945224-G-A.
Other names: short protein forms P580S.
Identifiers: ClinVar variation 2691683 (VCV002691683.1), dbSNP rs1357636626, ClinGen allele CA350847161.

ClinVar aggregate classification (germline): Uncertain significance (1 of 4 stars; one submission).

Allele frequency attached by ClinVar (database versions not stated): gnomAD exomes below 0.00001; TOPMed below 0.00001; gnomAD 0.00001.
gnomAD v4.1: 2 of 1,614,000 alleles (0.00012%); highest among the groups gnomAD compares: African/African-American, 0.0013%; no homozygotes.

Submission:

Women's Health and Genetics/Laboratory Corporation of America, LabCorp
Classification: Uncertain significance. Last evaluated: 2023-12-14. Review status: criteria provided, single submitter. Criteria: LabCorp Variant Classification Summary - May 2015. Collection method: clinical testing. Allele origin: germline.
Comment: Variant summary: COL4A4 c.1738C>T (p.Pro580Ser) results in a non-conservative amino acid change in the encoded protein sequence. Four of five in-silico tools predict a damaging effect of the variant on protein function. The variant was absent in 249540 control chromosomes. The available data on variant occurrences in the general population are insufficient to allow any conclusion about variant significance. To our knowledge, no occurrence of c.1738C>T in individuals affected with Alport Syndrome, Autosomal Recessive and no experimental evidence demonstrating its impact on protein function have been reported. No submitters have cited clinical-significance assessments for this variant to ClinVar after 2014. Based on the evidence outlined above, the variant was classified as uncertain significance.